The following is an entry in ClinVar:

NM_001017995.3(SH3PXD2B):c.*958G>A

Gene: SH3PXD2B (SH3 and PX domains 2B; minus strand). Cytogenetic location: 5q35.1.
Variant type: single nucleotide variant.
Coding change: c.*958G>A on transcript NM_001017995.3 (MANE Select); 958 bases downstream of the stop codon, G replaced by A.
Molecular consequence: 3 prime UTR variant. On other transcripts: intron variant (1).
Genome position (GRCh38, 1-based): chr5:172,337,411, C>T on the plus strand (G>A on the coding strand, the complement: SH3PXD2B is on the minus strand). VCF-style: chr5-172337411-C-T. GRCh37 (hg19) VCF-style: chr5-171764415-C-T.
Other names: c.1188+8725G>A (NM_001308175.2).
Identifiers: ClinVar variation 352780 (VCV000352780.5), dbSNP rs76230855, ClinGen allele CA10621297.

ClinVar aggregate classification (germline): Likely benign (1 of 4 stars; one submission).

Conditions:
Frank-Ter Haar syndrome. Also called: BORRONE DERMATOCARDIOSKELETAL SYNDROME; TER HAAR SYNDROME; MELNICK-NEEDLES SYNDROME, AUTOSOMAL RECESSIVE; Borrone di Rocco Crovato syndrome. Identifiers: Orphanet 1266, Orphanet 137834, MedGen C1855305, MONDO:0009579, OMIM 249420.

Allele frequency attached by ClinVar (database versions not stated): gnomAD 0.00044 and 0.00046; TOPMed 0.00051; 1000 Genomes Project 0.00100; 1000 Genomes Project 30x 0.00109.
gnomAD v4.1: 223 of 979,726 alleles (0.023%); highest among the groups gnomAD compares: Admixed American, 0.19%; no homozygotes.

Submission:

Illumina Laboratory Services, Illumina
Classification: Likely benign for Frank-Ter Haar syndrome. Last evaluated: 2018-01-13. Review status: criteria provided, single submitter. Criteria: ICSL Variant Classification Criteria 13 December 2019. Collection method: clinical testing. Allele origin: germline.
Comment: This variant was observed in the ICSL laboratory as part of a predisposition screen in an ostensibly healthy population. It had not been previously curated by ICSL or reported in the Human Gene Mutation Database (HGMD: prior to June 1st, 2018), and was therefore a candidate for classification through an automated scoring system. Utilizing variant allele frequency, disease prevalence and penetrance estimates, and inheritance mode, an automated score was calculated to assess if this variant is too frequent to cause the disease. Based on the score and internal cut-off values, a variant classified as likely benign is not then subjected to further curation. The score for this variant resulted in a classification of likely benign for this disease.